The following is an entry in ClinVar:

NM_000785.4(CYP27B1):c.750G>A (p.Trp250Ter)

Gene: CYP27B1 (cytochrome P450 family 27 subfamily B member 1; minus strand). Cytogenetic location: 12q14.1.
Variant type: single nucleotide variant.
Coding change: c.750G>A on transcript NM_000785.4 (MANE Select); coding-DNA position 750, G replaced by A.
Protein change: p.Trp250Ter; replaces tryptophan 250 with a stop codon.
Molecular consequence: nonsense.
Genome position (GRCh38, 1-based): chr12:57,765,051, C>T on the plus strand (G>A on the coding strand, the complement: CYP27B1 is on the minus strand). VCF-style: chr12-57765051-C-T. GRCh37 (hg19) VCF-style: chr12-58158834-C-T.
Other names: short protein forms W250*.
Identifiers: ClinVar variation 632195 (VCV000632195.10), dbSNP rs1565811124, ClinGen allele CA385505207.

ClinVar aggregate classification (germline): Pathogenic (1 of 4 stars; one submission).

Submission:

Labcorp Genetics (formerly Invitae), Labcorp
Classification: Pathogenic. Last evaluated: 2020-07-20. Review status: criteria provided, single submitter. Criteria: Invitae Variant Classification Sherloc (09022015). Collection method: clinical testing. Allele origin: germline.
Comment: For these reasons, this variant has been classified as Pathogenic. Loss-of-function variants in CYP27B1 are known to be pathogenic (PMID: 9837822, 17488797). This variant has not been reported in the literature in individuals with CYP27B1-related disease. This variant is not present in population databases (ExAC no frequency). This sequence change creates a premature translational stop signal (p.Trp250*) in the CYP27B1 gene. It is expected to result in an absent or disrupted protein product.

Literature cited by the submitters: PubMed 9837822; PubMed 17488797.